The following is an entry in ClinVar:

NM_004235.6(KLF4):c.973C>T (p.Leu325=)

Gene: KLF4 (KLF transcription factor 4; minus strand). Cytogenetic location: 9q31.2.
Variant type: single nucleotide variant.
Coding change: c.973C>T on transcript NM_004235.6 (MANE Select); coding-DNA position 973, C replaced by T.
Protein change: p.Leu325=; no amino-acid change (leucine 325 retained).
Molecular consequence: synonymous variant.
Genome position (GRCh38, 1-based): chr9:107,487,421, G>A on the plus strand (C>T on the coding strand, the complement: KLF4 is on the minus strand). VCF-style: chr9-107487421-G-A. GRCh37 (hg19) VCF-style: chr9-110249702-G-A.
Other names: c.973C>T, p.Leu325= (NM_001314052.2); c.973C>T (NM_001314052.1).
Identifiers: ClinVar variation 726083 (VCV000726083.6), dbSNP rs145474824, ClinGen allele CA5173161.
Genomic context (GRCh38, chr9:107,487,421, plus strand): 5'-CCGGGTGGGGATGGAAGCCGGGAGGAAGCGGCAGGGCAGGGTGACAGTCCCTGCTGCTCA[G>A]CACTTCCTCAAGACCCAGGGTCGGGGTAGTCCTGCTGGGGAGCTGCCGCCCCAGGGGGAA-3'
Protein context (NP_004226.3, residues 315-335): TTPTLGLEEV[Leu325=]SSRDCHPALP

ClinVar aggregate classification (germline): Benign. Review status: criteria provided, single submitter (1 of 4 stars). 2 submissions from 2 submitters: Benign (1). 1 of the submissions does not count toward it. Last evaluated 2019-12-31.

Conditions:
KLF4-related disorder. Also called: KLF4-related condition.

Allele frequency attached by ClinVar (database versions not stated): gnomAD exomes 0.00007 and 0.00028; ExAC 0.00035; 1000 Genomes Project 0.00040; 1000 Genomes Project 30x 0.00062; gnomAD 0.00068 and 0.00074; TOPMed 0.00093; ESP Exome Variant Server 0.00108.
gnomAD v4.1: 201 of 1,519,464 alleles (0.013%); highest among the groups gnomAD compares: African/African-American, 0.23%; no homozygotes.

Submissions (2):

Labcorp Genetics (formerly Invitae), Labcorp
Classification: Benign. Last evaluated: 2019-12-31. Review status: criteria provided, single submitter. Criteria: Invitae Variant Classification Sherloc (09022015). Collection method: clinical testing. Allele origin: germline.

PreventionGenetics, part of Exact Sciences
Classification: Likely benign for KLF4-related condition. Last evaluated: 2021-09-30. Review status: no assertion criteria provided. Collection method: clinical testing. Allele origin: germline. Not counted in ClinVar's aggregate classification.
Comment: This variant is classified as likely benign based on ACMG/AMP sequence variant interpretation guidelines (Richards et al. 2015 PMID: 25741868, with internal and published modifications).